The following is an entry in ClinVar:

NM_002734.3(PRKAR1A):c.349delG

Gene: PRKAR1A (protein kinase cAMP-dependent type I regulatory subunit alpha; plus strand). Cytogenetic location: 17q24.2.
Variant type: Deletion.
Coding change: c.349delG on transcript NM_002734.3; coding-DNA position 349, one base deleted (G).
Genome position (GRCh38, 1-based): chr17:68,523,725, G deleted; the last of 2 consecutive G bases (chr17:68,523,724-68,523,725); deleting either gives the same sequence. VCF-style (leftmost placement, unchanged base first): chr17-68523723-AG-A. GRCh37 (hg19) VCF-style: chr17-66519864-AG-A.
Identifiers: ClinVar variation 1732024 (VCV001732024.1), dbSNP rs2509404703, ClinGen allele CA2580095055.

ClinVar aggregate classification (germline): Pathogenic (1 of 4 stars; one submission).

Conditions:
Hereditary cancer-predisposing syndrome. Also called: Hereditary neoplastic syndrome; Neoplastic Syndromes, Hereditary; Tumor predisposition; Hereditary Cancer Syndrome. Identifiers: Orphanet 140162, MedGen C0027672, MeSH D009386, MONDO:0015356.

Submission:

Ambry Genetics
Classification: Pathogenic for Hereditary cancer-predisposing syndrome. Last evaluated: 2021-03-31. Review status: criteria provided, single submitter. Criteria: Ambry General Variant Classification Scheme_2022. Collection method: clinical testing. Allele origin: germline. Observed: 1 variant allele.
Comment: The c.349delG pathogenic mutation, located in coding exon 3 of the PRKAR1A gene, results from a deletion of one nucleotide at nucleotide position 349, causing a translational frameshift with a predicted alternate stop codon (p.V117Lfs*12). This alteration is expected to result in loss of function by premature protein truncation or nonsense-mediated mRNA decay. As such, this alteration is interpreted as a disease-causing mutation.